The following is an entry in ClinVar:

NM_003036.4(SKI):c.463G>T (p.Ala155Ser)

Gene: SKI (SKI proto-oncogene; plus strand). Cytogenetic location: 1p36.33.
Variant type: single nucleotide variant.
Coding change: c.463G>T on transcript NM_003036.4 (MANE Select); coding-DNA position 463, G replaced by T.
Protein change: p.Ala155Ser; replaces alanine 155 with serine.
Molecular consequence: missense variant.
Genome position (GRCh38, 1-based): chr1:2,229,229, G>T. VCF-style: chr1-2229229-G-T. GRCh37 (hg19) VCF-style: chr1-2160668-G-T.
Other names: short protein forms A155S.
Identifiers: ClinVar variation 1393081 (VCV001393081.7), dbSNP rs867726673, ClinGen allele CA337953370.

ClinVar aggregate classification (germline): Uncertain significance. Review status: criteria provided, multiple submitters, no conflicts (2 of 4 stars). 2 submissions from 2 submitters: Uncertain significance (2). Last evaluated 2025-05-15.

Conditions:
Shprintzen-Goldberg syndrome (SGS). Also called: SHPRINTZEN-GOLDBERG CRANIOSYNOSTOSIS SYNDROME; CRANIOSYNOSTOSIS WITH ARACHNODACTYLY AND ABDOMINAL HERNIAS; Marfanoid disorder with craniosynostosis type 1; Marfanoid craniosynostosis syndrome; Shprintzen-Goldberg marfanoid syndrome. Identifiers: Orphanet 2462, MedGen C1321551, MONDO:0008426, OMIM 182212.

Allele frequency attached by ClinVar (database versions not stated): gnomAD exomes 0.00001.

Submissions (2):

Labcorp Genetics (formerly Invitae), Labcorp
Classification: Uncertain significance for Shprintzen-Goldberg syndrome. Last evaluated: 2025-05-15. Review status: criteria provided, single submitter. Criteria: Invitae Variant Classification Sherloc (09022015). Collection method: clinical testing. Allele origin: germline.
Comment: This sequence change replaces alanine, which is neutral and non-polar, with serine, which is neutral and polar, at codon 155 of the SKI protein (p.Ala155Ser). This variant is not present in population databases (gnomAD no frequency). This missense change has been observed in individual(s) with craniosynostosis (PMID: 29168297). ClinVar contains an entry for this variant (Variation ID: 1393081). Invitae Evidence Modeling of protein sequence and biophysical properties (such as structural, functional, and spatial information, amino acid conservation, physicochemical variation, residue mobility, and thermodynamic stability) indicates that this missense variant is not expected to disrupt SKI protein function with a negative predictive value of 95%. In summary, the available evidence is currently insufficient to determine the role of this variant in disease. Therefore, it has been classified as a Variant of Uncertain Significance.

Blueprint Genetics
Classification: Uncertain significance. Last evaluated: 2022-06-14. Review status: criteria provided, single submitter. Criteria: ACMG Guidelines, 2015. Collection method: clinical testing. Allele origin: germline.

Literature cited by the submitters: PubMed 29168297 (cited by Labcorp Genetics (formerly Invitae), Labcorp).